The following is an entry in ClinVar:

ClinVar aggregate classification (germline): Conflicting classifications of pathogenicity. Review status: criteria provided, conflicting classifications (1 of 4 stars). 7 submissions from 7 submitters: Uncertain significance (2); Likely benign (4). 1 of the submissions does not count toward it. Last evaluated 2026-01-16.

Conditions:
Inborn genetic diseases. Identifiers: MedGen C0950123, MeSH D030342.
TAP1-related disorder. Also called: TAP1-related condition.
MHC class I deficiency. Identifiers: Orphanet 34592, MedGen C6024714, MONDO:0011476.

Allele frequency attached by ClinVar (database versions not stated): gnomAD exomes 0.00066; ExAC 0.00082; gnomAD 0.00202 and 0.00211; TOPMed 0.00225; ESP Exome Variant Server 0.00246; 1000 Genomes Project 0.00260; 1000 Genomes Project 30x 0.00265.
gnomAD v4.1: 749 of 1,614,122 alleles (0.046%); highest among the groups gnomAD compares: African/African-American, 0.65%; 2 homozygotes.

Submissions (7):

Labcorp Genetics (formerly Invitae), Labcorp
Classification: Likely benign for MHC class I deficiency 1. Last evaluated: 2026-01-16. Review status: criteria provided, single submitter. Criteria: Invitae Variant Classification Sherloc (09022015). Collection method: clinical testing. Allele origin: germline.

CeGaT Center for Human Genetics Tuebingen
Classification: Likely benign. Last evaluated: 2025-10-01. Review status: criteria provided, single submitter. Criteria: CeGaT Center For Human Genetics Tuebingen Variant Classification Criteria Version 2. Collection method: clinical testing. Allele origin: germline. Affected: yes. Observed: 3 variant alleles.
Comment: TAP1: BP4

Ambry Genetics
Classification: Uncertain significance for Inborn genetic diseases. Last evaluated: 2025-09-26. Review status: criteria provided, single submitter. Criteria: Ambry Variant Classification Scheme 2023. Collection method: clinical testing. Allele origin: germline.

Blueprint Genetics
Classification: Likely benign. Last evaluated: 2024-09-23. Review status: criteria provided, single submitter. Criteria: ACMG Guidelines, 2015. Collection method: clinical testing. Allele origin: germline.

Center for Genomics, Ann and Robert H. Lurie Children's Hospital of Chicago
Classification: Uncertain significance for MHC class I deficiency 1. Last evaluated: 2022-07-12. Review status: criteria provided, single submitter. Criteria: ACMG Guidelines, 2015. Collection method: clinical testing. Allele origin: germline.
Comment: This variant has not been reported in the literature but is present in the Genome Aggregation Database (Highest reported MAF 0.6% (273/41464) including 1 homozygote. This variant is present in ClinVar (Variation ID:715288). This variant amino acid Isoleucine (Ile) is present in several fish species and is not well conserved among evolutionarily distant species; this suggests that this variant may not impact the protein. Additional computational prediction tools do not suggest an impact. In summary, data on this variant is insufficient for disease classification. Therefore, the clinical significance of this variant is uncertain.

Breakthrough Genomics
Classification: Likely benign. Review status: criteria provided, single submitter. Criteria: ACMG Guidelines, 2015. Collection method: not provided. Allele origin: germline. Inheritance: Autosomal recessive inheritance. Affected: yes.

PreventionGenetics, part of Exact Sciences
Classification: Likely benign for TAP1-related condition. Last evaluated: 2020-03-16. Review status: no assertion criteria provided. Collection method: clinical testing. Allele origin: germline. Not counted in ClinVar's aggregate classification.
Comment: This variant is classified as likely benign based on ACMG/AMP sequence variant interpretation guidelines (Richards et al. 2015 PMID: 25741868, with internal and published modifications).

NM_000593.6(TAP1):c.1103T>C (p.Ile368Thr)

Gene: TAP1 (transporter 1, ATP binding cassette subfamily B member; minus strand). Cytogenetic location: 6p21.32.
Variant type: single nucleotide variant.
Coding change: c.1103T>C on transcript NM_000593.6 (MANE Select); coding-DNA position 1103, T replaced by C.
Protein change: p.Ile368Thr; replaces isoleucine 368 with threonine.
Molecular consequence: missense variant.
Genome position (GRCh38, 1-based): chr6:32,850,465, A>G on the plus strand (T>C on the coding strand, the complement: TAP1 is on the minus strand). VCF-style: chr6-32850465-A-G. GRCh37 (hg19) VCF-style: chr6-32818242-A-G.
Other names: c.500T>C, p.Ile167Thr (NM_001292022.2); short protein forms I167T, I428T, I368T.
Identifiers: ClinVar variation 715288 (VCV000715288.28), dbSNP rs55767910, ClinGen allele CA3746859.